The following is an entry in ClinVar:

ClinVar aggregate classification (germline): Uncertain significance (1 of 4 stars; one submission).

Conditions:
TTC21B-related disorder. Also called: TTC21B-related disorders; TTC21B-related condition.

Submission:

PreventionGenetics, part of Exact Sciences
Classification: Uncertain significance for TTC21B-related condition. Last evaluated: 2026-03-23. Review status: criteria provided, single submitter. Criteria: ACMG Guidelines, 2015. Collection method: clinical testing. Allele origin: germline.
Comment: The TTC21B c.11A>G variant is predicted to result in the amino acid substitution p.Gln4Arg. To our knowledge, this variant has not been reported in the literature or in a large population database (gnomAD), indicating this variant is rare. At this time, the clinical significance of this variant is uncertain due to the absence of conclusive functional and genetic evidence.

NM_024753.5(TTC21B):c.11A>G (p.Gln4Arg)

Gene: TTC21B (tetratricopeptide repeat domain 21B; minus strand). Cytogenetic location: 2q24.3.
Variant type: single nucleotide variant.
Coding change: c.11A>G on transcript NM_024753.5 (MANE Select); coding-DNA position 11, A replaced by G.
Protein change: p.Gln4Arg; replaces glutamine 4 with arginine.
Molecular consequence: missense variant.
Genome position (GRCh38, 1-based): chr2:165,953,695, T>C on the plus strand (A>G on the coding strand, the complement: TTC21B is on the minus strand). VCF-style: chr2-165953695-T-C. GRCh37 (hg19) VCF-style: chr2-166810205-T-C.
Other names: short protein forms Q4R.
Identifiers: ClinVar variation 4990975 (VCV004990975.1).